The following is an entry in ClinVar:

NM_001005373.4(LRSAM1):c.1873A>G (p.Arg625Gly)

Gene: LRSAM1 (leucine rich repeat and sterile alpha motif containing 1; plus strand). Cytogenetic location: 9q33.3.
Variant type: single nucleotide variant.
Coding change: c.1873A>G on transcript NM_001005373.4 (MANE Select); coding-DNA position 1873, A replaced by G.
Protein change: p.Arg625Gly; replaces arginine 625 with glycine.
Molecular consequence: missense variant. On other transcripts: non-coding transcript variant (2).
Genome position (GRCh38, 1-based): chr9:127,497,295, A>G. VCF-style: chr9-127497295-A-G. GRCh37 (hg19) VCF-style: chr9-130259574-A-G.
Other names: c.1873A>G, p.Arg625Gly (NM_001005374.4, NM_001384142.1, NM_138361.5); c.1792A>G, p.Arg598Gly (NM_001190723.3); c.1774A>G, p.Arg592Gly (NM_001384143.1); c.1084A>G, p.Arg362Gly (NM_001384144.1); short protein forms R598G, R592G, R362G, R625G.
Identifiers: ClinVar variation 1781724 (VCV001781724.2), dbSNP rs1243052196, ClinGen allele CA374936536.

ClinVar aggregate classification (germline): Uncertain significance (1 of 4 stars; one submission).

Conditions:
Inborn genetic diseases. Identifiers: MedGen C0950123, MeSH D030342.

Allele frequency attached by ClinVar (database versions not stated): gnomAD exomes 0.00001; gnomAD 0.00003; TOPMed 0.00003.
gnomAD v4.1: 12 of 1,612,960 alleles (0.00074%); highest among the groups gnomAD compares: African/African-American, 0.013%; no homozygotes.

Submission:

Ambry Genetics
Classification: Uncertain significance for Inborn genetic diseases. Last evaluated: 2021-03-20. Review status: criteria provided, single submitter. Criteria: Ambry Variant Classification Scheme 2023. Collection method: clinical testing. Allele origin: germline.
Comment: The p.R625G variant (also known as c.1873A>G), located in coding exon 22 of the LRSAM1 gene, results from an A to G substitution at nucleotide position 1873. The arginine at codon 625 is replaced by glycine, an amino acid with dissimilar properties. This amino acid position is well conserved in available vertebrate species. In addition, this alteration is predicted to be tolerated by in silico analysis. Based on the supporting evidence, this variant is unlikely to be causative of autosomal dominant Charcot-Marie-Tooth disease, type 2P; however, its contribution to the development of autosomal recessive Charcot-Marie-Tooth disease, type 2P is uncertain.